The following is an entry in ClinVar:

ClinVar aggregate classification (germline): Pathogenic (1 of 4 stars; one submission).

Conditions:
Glutaric aciduria, type 1. Also called: GA I; Glutaryl-CoA dehydrogenase deficiency; Glutaric acidemia type I; Glutaricacidemia Type 1; Glutaricaciduria, type I; Glutaric Acidemia Type 1. Identifiers: Orphanet 25, MedGen C0268595, MONDO:0009281, OMIM 231670.

Submission:

Myriad Genetics, Inc.
Classification: Pathogenic for Glutaric aciduria, type 1. Last evaluated: 2023-09-27. Review status: criteria provided, single submitter. Criteria: Myriad Autosomal Dominant, Autosomal Recessive and X-Linked Classification Criteria (2023). Collection method: clinical testing. Allele origin: unknown.
Comment: NM_000159.2(GCDH):c.311dupG(V105Cfs*83) is expected to be pathogenic in the context of glutaric acidemia, GCDH-related. This variant is predicted to lead to an abnormal or absent protein product due to the creation of a premature termination codon in GCDH, a gene where loss-of-function variants are known to be pathogenic. Please note: this variant was assessed in the context of healthy population screening.

NM_000159.4(GCDH):c.311dup (p.Val105fs)

Gene: GCDH (glutaryl-CoA dehydrogenase; plus strand). Cytogenetic location: 19p13.13.
Variant type: Duplication.
Coding change: c.311dup on transcript NM_000159.4 (MANE Select); coding-DNA position 311, one base duplicated (G; older notation c.311dupG).
Protein change: p.Val105fs; shifts the reading frame from valine 105.
Molecular consequence: frameshift variant. On other transcripts: non-coding transcript variant (1).
Genome position (GRCh38, 1-based): chr19:12,892,155, G duplicated; the last of 3 consecutive G bases (chr19:12,892,153-12,892,155); duplicating any one gives the same sequence. VCF-style (leftmost placement, unchanged base first): chr19-12892152-T-TG. GRCh37 (hg19) VCF-style: chr19-13002966-T-TG.
Other names: c.311dup, p.Val105fs (NM_013976.5); short protein forms V105fs.
Identifiers: ClinVar variation 5012268 (VCV005012268.1).